The following is an entry in ClinVar:

ClinVar aggregate classification (germline): Pathogenic (1 of 4 stars; one submission).

Submission:

Labcorp Genetics (formerly Invitae), Labcorp
Classification: Pathogenic. Last evaluated: 2023-08-21. Review status: criteria provided, single submitter. Criteria: Invitae Variant Classification Sherloc (09022015). Collection method: clinical testing. Allele origin: unknown.
Comment: For these reasons, this variant has been classified as Pathogenic. This variant has not been reported in the literature in individuals affected with ATP2C1-related conditions. This variant is a gross deletion of the genomic region encompassing exon(s) 11-15 of the ATP2C1 gene. This deletion is out-of-frame, and is expected to create a premature termination codon and result in an absent or disrupted protein product. Loss-of-function variants in ATP2C1 are known to be pathogenic (PMID: 10615129, 10767338, 11841554).

Literature cited by the submitters: PubMed 10615129; PubMed 10767338; PubMed 11841554.

NC_000003.11:g.(?_130678099)_(130686283_?)del

Gene: ATP2C1 (ATPase secretory pathway Ca2+ transporting 1; plus strand). Cytogenetic location: 3q22.1.
Variant type: Deletion.
Identifiers: ClinVar variation 3247013 (VCV003247013.1).